The following is an entry in ClinVar:

ClinVar aggregate classification (germline): Uncertain significance (1 of 4 stars; one submission).

Conditions:
Hereditary cancer-predisposing syndrome. Also called: Hereditary neoplastic syndrome; Neoplastic Syndromes, Hereditary; Tumor predisposition; Hereditary Cancer Syndrome. Identifiers: Orphanet 140162, MedGen C0027672, MeSH D009386, MONDO:0015356.

Submission:

Ambry Genetics
Classification: Uncertain significance for Hereditary cancer-predisposing syndrome. Last evaluated: 2025-08-27. Review status: criteria provided, single submitter. Criteria: Ambry Variant Classification Scheme 2023. Collection method: clinical testing. Allele origin: germline.
Comment: The p.S254G variant (also known as c.760A>G), located in coding exon 9 of the MUTYH gene, results from an A to G substitution at nucleotide position 760. The serine at codon 254 is replaced by glycine, an amino acid with similar properties. This amino acid position is conserved. In addition, this alteration is predicted to be tolerated by in silico analysis. Based on the available evidence, the clinical significance of this variant remains unclear.

NM_001048174.2(MUTYH):c.676A>G (p.Ser226Gly)

Gene: MUTYH (mutY DNA glycosylase; minus strand). Cytogenetic location: 1p34.1.
Variant type: single nucleotide variant.
Coding change: c.676A>G on transcript NM_001048174.2 (MANE Select); coding-DNA position 676, A replaced by G.
Protein change: p.Ser226Gly; replaces serine 226 with glycine.
Molecular consequence: missense variant. On other transcripts: non-coding transcript variant (7).
Genome position (GRCh38, 1-based): chr1:45,332,419, T>C on the plus strand (A>G on the coding strand, the complement: MUTYH is on the minus strand). VCF-style: chr1-45332419-T-C. GRCh37 (hg19) VCF-style: chr1-45798091-T-C.
Other names: c.676A>G, p.Ser226Gly (NM_001048171.2, NM_001048173.2, NM_001407081.1 and 6 more transcripts); c.679A>G, p.Ser227Gly (NM_001048172.2, NM_001407078.1, NM_001407086.1 and 1 more transcripts); c.760A>G, p.Ser254Gly (NM_001128425.2); c.721A>G, p.Ser241Gly (NM_001293190.2); c.709A>G, p.Ser237Gly (NM_001293191.2, NM_001407077.1, NM_001407069.1); c.400A>G, p.Ser134Gly (NM_001293192.2, NM_001407091.1, NM_001293196.2); c.637A>G, p.Ser213Gly (NM_001407079.1); c.634A>G, p.Ser212Gly (NM_001407080.1); and 5 more; short protein forms S212G, S134G, S237G, S254G, S111G, S213G, S240G, S251G.
Identifiers: ClinVar variation 4113811 (VCV004113811.1).